The following is an entry in ClinVar:

NM_144643.4(SCLT1):c.1113T>A (p.Phe371Leu)

Gene: SCLT1 (sodium channel and clathrin linker 1; minus strand). Cytogenetic location: 4q28.2.
Variant type: single nucleotide variant.
Coding change: c.1113T>A on transcript NM_144643.4 (MANE Select); coding-DNA position 1113, T replaced by A.
Protein change: p.Phe371Leu; replaces phenylalanine 371 with leucine.
Molecular consequence: missense variant.
Genome position (GRCh38, 1-based): chr4:128,957,059, A>T on the plus strand (T>A on the coding strand, the complement: SCLT1 is on the minus strand). VCF-style: chr4-128957059-A-T. GRCh37 (hg19) VCF-style: chr4-129878214-A-T.
Other names: c.1113T>A, p.Phe371Leu (NM_001410807.1); short protein forms F371L.
Identifiers: ClinVar variation 3354303 (VCV003354303.1).
Genomic context (GRCh38, chr4:128,957,059, plus strand): 5'-ATTTTAAATATAATTAAAAATCCTTACTTCTTTCTTGGTTCTTATGGTAGCATCTTGTAC[A>T]AACCGAGAAACTGTCTCTTTCATTTTCTCTATGTCTTCTTCTTTTTGCTTCTCCTCAAGT-3'
Protein context (NP_653244.2, residues 361-381): IEKMKETVSR[Phe371Leu]VQDATIRTKK

ClinVar aggregate classification (germline): Uncertain significance (0 of 4 stars; one submission).

Conditions:
SCLT1-related disorder. Also called: SCLT1-related condition.

gnomAD v4.1: 7 of 1,600,396 alleles (0.00044%); highest among the groups gnomAD compares: Non-Finnish European, 0.0006%; no homozygotes.

Submission:

PreventionGenetics, part of Exact Sciences
Classification: Uncertain significance for SCLT1-related condition. Last evaluated: 2024-07-25. Review status: no assertion criteria provided. Collection method: clinical testing. Allele origin: germline.
Comment: The SCLT1 c.1113T>A variant is predicted to result in the amino acid substitution p.Phe371Leu. To our knowledge, this variant has not been reported in the literature or in a large population database, indicating this variant is rare. At this time, the clinical significance of this variant is uncertain due to the absence of conclusive functional and genetic evidence.